The following is an entry in ClinVar:

NM_000492.4(CFTR):c.328G>T (p.Asp110Tyr)

Gene: CFTR (CF transmembrane conductance regulator; plus strand). Cytogenetic location: 7q31.2.
Variant type: single nucleotide variant.
Coding change: c.328G>T on transcript NM_000492.4 (MANE Select); coding-DNA position 328, G replaced by T.
Protein change: p.Asp110Tyr; replaces aspartic acid 110 with tyrosine.
Molecular consequence: missense variant.
Genome position (GRCh38, 1-based): chr7:117,530,953, G>T. VCF-style: chr7-117530953-G-T. GRCh37 (hg19) VCF-style: chr7-117171007-G-T.
Other names: short protein forms D110Y.
Identifiers: ClinVar variation 53705 (VCV000053705.28), dbSNP rs113993958, ClinGen allele CA327127.

ClinVar aggregate classification (germline): Conflicting classifications of pathogenicity. Review status: criteria provided, conflicting classifications (1 of 4 stars). 9 submissions from 9 submitters: Pathogenic (1); Likely pathogenic (7); Uncertain significance (1). Last evaluated 2026-05-19.

Conditions:
CFTR-related disorder (CFTR-RD). Also called: CFTR-related disorders; CFTR-related condition. Identifiers: MedGen C5924204, MONDO:7770004.
Cystic fibrosis (CF). Also called: MUCOVISCIDOSIS. Identifiers: Orphanet 586, MedGen C0010674, MONDO:0009061, OMIM 219700. Disease mechanism: loss of function.
Congenital bilateral aplasia of vas deferens from CFTR mutation (CBAVD). Identifiers: Orphanet 48, MedGen C0403814, MONDO:0010178, OMIM 277180. Disease mechanism: loss of function.

Allele frequency attached by ClinVar (database versions not stated): TOPMed 0.00001.
gnomAD v4.1: 1 of 1,613,670 alleles (0.000062%); highest among the groups gnomAD compares: African/African-American, 0.0013%; no homozygotes.

Submissions (9):

Ambry Genetics
Classification: Likely pathogenic for Cystic fibrosis. Last evaluated: 2026-05-19. Review status: criteria provided, single submitter. Criteria: Ambry Variant Classification Scheme 2023. Collection method: clinical testing. Allele origin: germline.
Comment: The p.D110Y variant (also known as c.328G>T), located in coding exon 4 of the CFTR gene, results from a G to T substitution at nucleotide position 328. The aspartic acid at codon 110 is replaced by tyrosine, an amino acid with highly dissimilar properties. In an assay testing CFTR function, this variant showed a functionally abnormal result (Bihler H et al. J Cyst Fibros, 2024 Jul;23:664-675). Another variant at the same codon, p.D110E (c.330C>A), has been identified in individual(s) with features consistent with cystic fibrosis or CFTR-related disorders (Ambry internal data). Based on internal structural analysis, this variant is more disruptive than known pathogenic variants (Liu F et al. Cell, 2017 Mar;169:85-95.e8; Cui G et al. J Gen Physiol, 2014 Aug;144:159-79). This amino acid position is highly conserved in available vertebrate species. In addition, this alteration is predicted to be deleterious by in silico analysis. This variant is considered to be rare based on population cohorts in the Genome Aggregation Database (gnomAD). Based on the majority of available evidence to date, this variant is likely to be pathogenic.

Natera, Inc.
Classification: Likely pathogenic for CFTR-related disorders. Last evaluated: 2025-09-08. Review status: criteria provided, single submitter. Criteria: Natera Variant Classification Schema (03/2026). Collection method: clinical testing. Allele origin: germline.
Comment: The c.328G>T variant in CFTR is a missense variant predicted to cause substitution of aspartic acid to tyrosine at amino acid 110. This variant is rare in the general population with a frequency below the threshold expected for the associated phenotype(s). This variant has been observed in one or more individuals affected with the associated recessive disease, as either homozygous or compound heterozygous with a second variant (PMID: 33512069). Functional studies show that this variant may disrupt protein function (PMID: 38388235). A different variant at the same position has been determined to be Pathogenic or Likely Pathogenic. Computational prediction algorithms indicate this variant is likely to affect gene or protein function. Given the available evidence, this variant is classified as Likely Pathogenic.

Otogenetics
Classification: Likely pathogenic for Cystic fibrosis; Congenital bilateral aplasia of vas deferens from CFTR mutation. Last evaluated: 2025-09-02. Review status: criteria provided, single submitter. Criteria: ACMG Guidelines, 2015. Collection method: clinical testing. Allele origin: germline.
Comment: PM1: Non-truncating non-synonymous variant located in a critical and well-established functional domain (extracellular loop 1 (ECL1)) of the CFTR protein (PMID: 25024266); PM2: Maximum gnomAD MAF of 0.0062% in African (AFR) subpopulation (<0.296% threshold); PM5: Pathogenic missense amino acid changes occur in same position: c.328G>C (p.Asp110His), c.329A>T (p.Asp110Val), c.330C>A (p.Asp110Glu), c.330C>G (p.Asp110Glu) (PMID: 23891399, 32327388); PP3: In-silico models predict deleterious effect (Revel = 0.93, BayesDel = 0.53)

Women's Health and Genetics/Laboratory Corporation of America, LabCorp
Classification: Pathogenic for Cystic fibrosis. Last evaluated: 2024-01-16. Review status: criteria provided, single submitter. Criteria: LabCorp Variant Classification Summary - May 2015. Collection method: clinical testing. Allele origin: germline.
Comment: Variant summary: CFTR c.328G>T (p.Asp110Tyr) results in a non-conservative amino acid change located in the ABC transporter type 1, transmembrane domain (IPR011527) of the encoded protein sequence. Five of five in-silico tools predict a damaging effect of the variant on protein function. The variant allele was found at a frequency of 4e-06 in 251100 control chromosomes. c.328G>T has been reported in the literature in compound heterozygous individuals affected with CAVD and CF, several of whom carrry F508Del as second allele (Casals_2000, Qu_2023, Bauer_2021, Raraigh_2022). These data indicate that the variant is likely to be associated with disease. To our knowledge, no experimental evidence demonstrating an impact on protein function has been reported. Two variants at same codon have been classified as pathogenic by our lab: (p.Asp110His, p.Asp110Glu). The following publications have been ascertained in the context of this evaluation (PMID: 33512069, 10875853, 25024266, 22483971, 27157324, 16126774, 36604502, 25735457, 34782259). ClinVar contains an entry for this variant (Variation ID: 53705). Based on the evidence outlined above, the variant was classified as pathogenic.

Labcorp Genetics (formerly Invitae), Labcorp
Classification: Likely pathogenic for Cystic fibrosis. Last evaluated: 2024-01-08. Review status: criteria provided, single submitter. Criteria: Invitae Variant Classification Sherloc (09022015). Collection method: clinical testing. Allele origin: germline.
Comment: This sequence change replaces aspartic acid, which is acidic and polar, with tyrosine, which is neutral and polar, at codon 110 of the CFTR protein (p.Asp110Tyr). This variant is not present in population databases (gnomAD no frequency). This missense change has been observed in individuals with congenital bilateral absence of the vas deferens (CBAVD) and/or cystic fibrosis (PMID: 10875853, 34782259). ClinVar contains an entry for this variant (Variation ID: 53705). Advanced modeling of protein sequence and biophysical properties (such as structural, functional, and spatial information, amino acid conservation, physicochemical variation, residue mobility, and thermodynamic stability) performed at Invitae indicates that this missense variant is expected to disrupt CFTR protein function with a positive predictive value of 80%. This variant disrupts the p.Asp110 amino acid residue in CFTR. Other variant(s) that disrupt this residue have been determined to be pathogenic (PMID: 9272157, 18373402, 19897426, 22724884). This suggests that this residue is clinically significant, and that variants that disrupt this residue are likely to be disease-causing. In summary, the currently available evidence indicates that the variant is pathogenic, but additional data are needed to prove that conclusively. Therefore, this variant has been classified as Likely Pathogenic.

PreventionGenetics, part of Exact Sciences
Classification: Uncertain significance for CFTR-related condition. Last evaluated: 2022-12-27. Review status: criteria provided, single submitter. Criteria: ACMG Guidelines, 2015. Collection method: clinical testing. Allele origin: germline.
Comment: The CFTR c.328G>T variant is predicted to result in the amino acid substitution p.Asp110Tyr. In the literature this variant is also reported as c.460G>T and D110Y. This variant has been reported along with the CFTR ∆F508 variant in an individual with congenital absence of the vas deferens (CAVD) (Casals et al. 2000. PubMed ID: 10875853). However, in a large study of individuals with infertility, this variant was reported in the control population (Morea et al. 2005. PubMed ID: 16126774). Functional studies have shown the p.Asp110Tyr variant leads to CFTR channel instability (Cui et al. 2014. PubMed ID: 25024266). This variant is reported in 0.0062% of alleles in individuals of African descent in gnomAD and is reported with conflicting interpretations regarding its pathogenicity in ClinVar, ranging from uncertain to likely pathogenic. At this time, the clinical significance of this variant is uncertain due to the absence of conclusive functional and genetic evidence.

Mayo Clinic Laboratories, Mayo Clinic
Classification: Likely pathogenic. Last evaluated: 2022-10-21. Review status: criteria provided, single submitter. Criteria: ACMG Guidelines, 2015. Collection method: clinical testing. Allele origin: germline. Observed: 1 variant allele.
Comment: PP3, PM2, PM3_supporting, PM5

Genome-Nilou Lab
Classification: Likely pathogenic for Cystic fibrosis. Last evaluated: 2021-07-22. Review status: criteria provided, single submitter. Criteria: ACMG Guidelines, 2015. Collection method: clinical testing. Allele origin: germline. Affected: no.

ARUP Laboratories, Molecular Genetics and Genomics, ARUP Laboratories
Classification: Likely pathogenic. Last evaluated: 2017-03-15. Review status: criteria provided, single submitter. Criteria: ARUP Molecular Germline Variant Investigation Process. Collection method: clinical testing. Allele origin: germline.

Literature cited by the submitters: PubMed 10875853 (cited by 4 submitters); PubMed 25024266 (cited by 3 submitters); PubMed 28340353 (cited by Ambry Genetics); PubMed 35913788 (cited by Ambry Genetics and Mayo Clinic Laboratories, Mayo Clinic); PubMed 38388235 (cited by Ambry Genetics and Natera, Inc.); PubMed 33512069 (cited by 3 submitters); PubMed 23891399 (cited by Otogenetics); PubMed 32327388 (cited by Otogenetics); PubMed 16126774 (cited by Women's Health and Genetics/Laboratory Corporation of America, LabCorp and Mayo Clinic Laboratories, Mayo Clinic); PubMed 22483971 (cited by Women's Health and Genetics/Laboratory Corporation of America, LabCorp); PubMed 25735457 (cited by Women's Health and Genetics/Laboratory Corporation of America, LabCorp); PubMed 27157324 (cited by Women's Health and Genetics/Laboratory Corporation of America, LabCorp); PubMed 34782259 (cited by Women's Health and Genetics/Laboratory Corporation of America, LabCorp and Labcorp Genetics (formerly Invitae), Labcorp); PubMed 36604502 (cited by Women's Health and Genetics/Laboratory Corporation of America, LabCorp); PubMed 9272157 (cited by Labcorp Genetics (formerly Invitae), Labcorp); PubMed 18373402 (cited by Labcorp Genetics (formerly Invitae), Labcorp); PubMed 19897426 (cited by Labcorp Genetics (formerly Invitae), Labcorp); PubMed 22724884 (cited by Labcorp Genetics (formerly Invitae), Labcorp); PubMed 20059485 (cited by Mayo Clinic Laboratories, Mayo Clinic).